The following is an entry in ClinVar:

NM_000051.4(ATM):c.4A>G (p.Ser2Gly)

Gene: ATM (ATM serine/threonine kinase; plus strand). Cytogenetic location: 11q22.3.
Variant type: single nucleotide variant.
Coding change: c.4A>G on transcript NM_000051.4 (MANE Select); coding-DNA position 4, A replaced by G.
Protein change: p.Ser2Gly; replaces serine 2 with glycine.
Molecular consequence: missense variant.
Genome position (GRCh38, 1-based): chr11:108,227,628, A>G. VCF-style: chr11-108227628-A-G. GRCh37 (hg19) VCF-style: chr11-108098355-A-G.
Other names: c.4A>G, p.Ser2Gly (NM_001351834.2, NM_001351835.2, NM_001351836.2); short protein forms S2G.
Identifiers: ClinVar variation 640846 (VCV000640846.9), dbSNP rs1591445677, ClinGen allele CA382518906.
Genomic context (GRCh38, chr11:108,227,628, plus strand): 5'-ATATACCTATATGTATTTTTTTTACAGACAGTGATGTGTGTTCTGAAATTGTGAACCATG[A>G]GTCTAGTACTTAATGATCTGCTTATCTGCTGCCGTCAACTAGAACATGATAGAGCTACAG-3'
Protein context (NP_000042.3, residues 1-12): M[Ser2Gly]LVLNDLLICC

ClinVar aggregate classification (germline): Uncertain significance. Review status: criteria provided, multiple submitters, no conflicts (2 of 4 stars). 3 submissions from 3 submitters: Uncertain significance (3). Last evaluated 2024-02-19.

Conditions:
Hereditary cancer-predisposing syndrome. Also called: Neoplastic Syndromes, Hereditary; Hereditary Cancer Syndrome; Hereditary neoplastic syndrome; Tumor predisposition. Identifiers: Orphanet 140162, MedGen C0027672, MeSH D009386, MONDO:0015356.
Familial cancer of breast. Also called: hereditary breast carcinoma; BREAST CANCER, FAMILIAL; Hereditary breast cancer. Identifiers: Orphanet 227535, MedGen C0346153, MONDO:0016419, OMIM 114480. Disease mechanism: loss of function.
Ataxia-telangiectasia syndrome (AT). Also called: LOUIS-BAR SYNDROME; Ataxia-telangiectasia, complementation group E; Ataxia-telangiectasia, complementation group D; AT, COMPLEMENTATION GROUP C; Ataxia telangiectasia (A-T); Cerebello-oculocutaneous telangiectasia. Identifiers: Orphanet 100, MedGen C0004135, MONDO:0008840, OMIM 208900.

Allele frequency attached by ClinVar (database versions not stated): gnomAD exomes below 0.00001.
gnomAD v4.1: 2 of 1,613,596 alleles (0.00012%); highest among the groups gnomAD compares: African/African-American, 0.0013%; no homozygotes.

Submissions (3):

Baylor Genetics
Classification: Uncertain significance for Familial cancer of breast. Last evaluated: 2024-02-19. Review status: criteria provided, single submitter. Criteria: ACMG Guidelines, 2015. Collection method: clinical testing. Allele origin: unknown.

Ambry Genetics
Classification: Uncertain significance for Hereditary cancer-predisposing syndrome. Last evaluated: 2022-12-30. Review status: criteria provided, single submitter. Criteria: Ambry Variant Classification Scheme 2023. Collection method: clinical testing. Allele origin: germline.
Comment: The p.S2G variant (also known as c.4A>G), located in coding exon 1 of the ATM gene, results from an A to G substitution at nucleotide position 4. The serine at codon 2 is replaced by glycine, an amino acid with similar properties. This amino acid position is well conserved in available vertebrate species. In addition, this alteration is predicted to be tolerated by in silico analysis. Since supporting evidence is limited at this time, the clinical significance of this alteration remains unclear.

Labcorp Genetics (formerly Invitae), Labcorp
Classification: Uncertain significance for Ataxia-telangiectasia syndrome. Last evaluated: 2021-08-28. Review status: criteria provided, single submitter. Criteria: Invitae Variant Classification Sherloc (09022015). Collection method: clinical testing. Allele origin: germline.
Comment: This sequence change replaces serine with glycine at codon 2 of the ATM protein (p.Ser2Gly). The serine residue is moderately conserved and there is a small physicochemical difference between serine and glycine. This variant is not present in population databases (ExAC no frequency). This variant has not been reported in the literature in individuals affected with ATM-related conditions. Algorithms developed to predict the effect of missense changes on protein structure and function are either unavailable or do not agree on the potential impact of this missense change (SIFT: "Tolerated"; PolyPhen-2: "Possibly Damaging"; Align-GVGD: "Class C0"). In summary, the available evidence is currently insufficient to determine the role of this variant in disease. Therefore, it has been classified as a Variant of Uncertain Significance.